The following is an entry in ClinVar:

NM_015443.4(KANSL1):c.2462C>T (p.Pro821Leu)

Gene: KANSL1 (KAT8 regulatory NSL complex subunit 1). Cytogenetic location: 17q21.31.
Variant type: single nucleotide variant.
Coding change: c.2462C>T on transcript NM_015443.4 (MANE Select); coding-DNA position 2462, C replaced by T.
Protein change: p.Pro821Leu; replaces proline 821 with leucine.
Molecular consequence: missense variant.
Genome position (GRCh38, 1-based): chr17:46,038,617, G>A on the plus strand (C>T on the coding strand, the complement: KANSL1 is on the minus strand). VCF-style: chr17-46038617-G-A. GRCh37 (hg19) VCF-style: chr17-44115983-G-A.
Other names: c.2462C>T, p.Pro821Leu (NM_001193465.2, NM_001193466.2, NM_001379198.1); short protein forms P821L.
Identifiers: ClinVar variation 1465461 (VCV001465461.6), dbSNP rs1411153399, ClinGen allele CA399980368.

ClinVar aggregate classification (germline): Uncertain significance (1 of 4 stars; one submission).

Conditions:
Koolen-de Vries syndrome (KDVS). Identifiers: Orphanet 96169, MedGen C1864871, MONDO:0012496, OMIM 610443.

Allele frequency attached by ClinVar (database versions not stated): gnomAD exomes below 0.00001.
gnomAD v4.1: 1 of 1,614,152 alleles (0.000062%); no homozygotes.

Submission:

Labcorp Genetics (formerly Invitae), Labcorp
Classification: Uncertain significance for Koolen-de Vries syndrome. Last evaluated: 2023-02-14. Review status: criteria provided, single submitter. Criteria: Invitae Variant Classification Sherloc (09022015). Collection method: clinical testing. Allele origin: germline.
Comment: Advanced modeling of protein sequence and biophysical properties (such as structural, functional, and spatial information, amino acid conservation, physicochemical variation, residue mobility, and thermodynamic stability) performed at Invitae indicates that this missense variant is not expected to disrupt KANSL1 protein function. In summary, the available evidence is currently insufficient to determine the role of this variant in disease. Therefore, it has been classified as a Variant of Uncertain Significance. ClinVar contains an entry for this variant (Variation ID: 1465461). This variant has not been reported in the literature in individuals affected with KANSL1-related conditions. This variant is present in population databases (no rsID available, gnomAD no frequency). This sequence change replaces proline, which is neutral and non-polar, with leucine, which is neutral and non-polar, at codon 821 of the KANSL1 protein (p.Pro821Leu).